The following is an entry in ClinVar:

ClinVar aggregate classification (germline): Benign (0 of 4 stars; one submission).

Conditions:
EPPK1-related disorder. Also called: EPPK1-related condition.

Allele frequency attached by ClinVar (database versions not stated): ExAC 0.00262; 1000 Genomes Project 0.00779; 1000 Genomes Project 30x 0.00781; ESP Exome Variant Server 0.00947.

Submission:

PreventionGenetics, part of Exact Sciences
Classification: Benign for EPPK1-related condition. Last evaluated: 2021-04-26. Review status: no assertion criteria provided. Collection method: clinical testing. Allele origin: germline.
Comment: This variant is classified as benign based on ACMG/AMP sequence variant interpretation guidelines (Richards et al. 2015 PMID: 25741868, with internal and published modifications).

NM_031308.4(EPPK1):c.6063C>T (p.His2021=)

Gene: EPPK1 (epiplakin 1; minus strand). Cytogenetic location: 8q24.3.
Variant type: single nucleotide variant.
Coding change: c.6063C>T on transcript NM_031308.4 (MANE Select); coding-DNA position 6063, C replaced by T.
Protein change: p.His2021=; no amino-acid change (histidine 2021 retained).
Molecular consequence: synonymous variant.
Genome position (GRCh38, 1-based): chr8:143,867,191, G>A on the plus strand (C>T on the coding strand, the complement: EPPK1 is on the minus strand). VCF-style: chr8-143867191-G-A. GRCh37 (hg19) VCF-style: chr8-144941359-G-A.
Identifiers: ClinVar variation 3048011 (VCV003048011.2), dbSNP rs78008227, ClinGen allele CA4921940.